The following is an entry in ClinVar:

ClinVar aggregate classification (germline): Likely benign (1 of 4 stars; one submission).

Conditions:
CDHR1-related disorder. Also called: CDHR1-related condition.

gnomAD v4.1: 13 of 1,164,570 alleles (0.0011%); highest among the groups gnomAD compares: African/African-American, 0.016%; no homozygotes.

Submission:

PreventionGenetics, part of Exact Sciences
Classification: Likely benign for CDHR1-related condition. Last evaluated: 2026-05-22. Review status: criteria provided, single submitter. Criteria: ACMG Guidelines, 2015. Collection method: clinical testing. Allele origin: germline.
Comment: This variant is classified as likely benign based on ACMG/AMP sequence variant interpretation guidelines (Richards et al. 2015 PMID: 25741868, with internal and published modifications).

NM_001171971.3(CDHR1):c.2058C>T (p.Tyr686=)

Gene: CDHR1 (cadherin related family member 1; plus strand). Cytogenetic location: 10q23.1.
Variant type: single nucleotide variant.
Coding change: c.2058C>T on transcript NM_001171971.3; coding-DNA position 2058, C replaced by T.
Protein change: p.Tyr686=; no amino-acid change (tyrosine 686 retained).
Molecular consequence: synonymous variant.
Genome position (GRCh38, 1-based): chr10:84,219,096, C>T. VCF-style: chr10-84219096-C-T. GRCh37 (hg19) VCF-style: chr10-85978852-C-T.
Identifiers: ClinVar variation 4985030 (VCV004985030.1).